The following is an entry in ClinVar:

ClinVar aggregate classification (germline): Pathogenic (1 of 4 stars; one submission).

Conditions:
Familial adenomatous polyposis 1 (FAP1). Also called: FAMILIAL ADENOMATOUS POLYPOSIS 1, ATTENUATED; POLYPOSIS, ADENOMATOUS INTESTINAL. Identifiers: MedGen C2713442, MONDO:0021056, OMIM 175100. Disease mechanism: loss of function.

Submission:

Myriad Genetics, Inc.
Classification: Pathogenic for Familial adenomatous polyposis 1. Last evaluated: 2023-05-09. Review status: criteria provided, single submitter. Criteria: Myriad Autosomal Dominant, Autosomal Recessive and X-Linked Classification Criteria (2023). Collection method: clinical testing. Allele origin: unknown.
Comment: This variant is considered pathogenic. This variant creates a frameshift predicted to result in premature protein truncation.

NM_000038.6(APC):c.3933dup (p.Gly1312fs)

Gene: APC (APC regulator of Wnt signaling pathway; plus strand). Cytogenetic location: 5q22.2.
Variant type: Duplication.
Coding change: c.3933dup on transcript NM_000038.6 (MANE Select); coding-DNA position 3933, one base duplicated (T; older notation c.3933dupT).
Protein change: p.Gly1312fs; shifts the reading frame from glycine 1312.
Molecular consequence: frameshift variant. On other transcripts: non-coding transcript variant (2).
Genome position (GRCh38, 1-based): chr5:112,839,527, T duplicated; the last of 2 consecutive T bases (chr5:112,839,526-112,839,527); duplicating either gives the same sequence. VCF-style (leftmost placement, unchanged base first): chr5-112839525-A-AT. GRCh37 (hg19) VCF-style: chr5-112175222-A-AT.
Other names: c.3933dup, p.Gly1312fs (NM_001127510.3, NM_001354895.2, NM_001407450.1); c.3879dup, p.Gly1294fs (NM_001127511.3); c.3987dup, p.Gly1330fs (NM_001354896.2, NM_001407447.1, NM_001407448.1 and 1 more transcripts); c.3963dup, p.Gly1322fs (NM_001354897.2); c.3858dup, p.Gly1287fs (NM_001354898.2); c.3849dup, p.Gly1284fs (NM_001354899.2); c.3810dup, p.Gly1271fs (NM_001354900.2); c.3756dup, p.Gly1253fs (NM_001354901.2, NM_001407453.1); and 11 more; short protein forms G1029fs, G1152fs, G1183fs, G1186fs, G1211fs, G1221fs, G1229fs, G1253fs.
Identifiers: ClinVar variation 2584034 (VCV002584034.2), dbSNP rs2533535552, ClinGen allele CA445963903.